The following is an entry in ClinVar:

ClinVar aggregate classification (germline): Uncertain significance (1 of 4 stars; one submission).

Allele frequency attached by ClinVar (database versions not stated): ExAC 0.00001.

Submission:

Ambry Genetics
Classification: Uncertain significance. Last evaluated: 2023-06-09. Review status: criteria provided, single submitter. Criteria: Ambry Variant Classification Scheme 2023. Collection method: clinical testing. Allele origin: germline.
Comment: The p.L1773I variant (also known as c.5317T>A), located in coding exon 16 of the POLQ gene, results from a T to A substitution at nucleotide position 5317. The leucine at codon 1773 is replaced by isoleucine, an amino acid with highly similar properties. This amino acid position is conserved. In addition, this alteration is predicted to be tolerated by in silico analysis. Since supporting evidence is limited at this time, the clinical significance of this alteration remains unclear.

NM_199420.4(POLQ):c.5317T>A (p.Leu1773Ile)

Gene: POLQ (DNA polymerase theta; minus strand). Cytogenetic location: 3q13.33.
Variant type: single nucleotide variant.
Coding change: c.5317T>A on transcript NM_199420.4 (MANE Select); coding-DNA position 5317, T replaced by A.
Protein change: p.Leu1773Ile; replaces leucine 1773 with isoleucine.
Molecular consequence: missense variant.
Genome position (GRCh38, 1-based): chr3:121,487,614, A>T on the plus strand (T>A on the coding strand, the complement: POLQ is on the minus strand). VCF-style: chr3-121487614-A-T. GRCh37 (hg19) VCF-style: chr3-121206461-A-T.
Other names: short protein forms L1773I.
Identifiers: ClinVar variation 2563890 (VCV002563890.2), dbSNP rs749926181, ClinGen allele CA2562742.
Genomic context (GRCh38, chr3:121,487,614, plus strand): 5'-ACCCATTTCTACTCCCTGGACTTAAATCGTGGTTTTTAATATCTGAAGGTGAGCCAAATA[A>T]ATAACTTTCACCAGGTTGTAAAACATTATTAGTTTTCCAAGGGTTTACAGGTGTTTCAAG-3'
Protein context (NP_955452.3, residues 1763-1783): NNVLQPGESY[Leu1773Ile]FGSPSDIKNH